The following is an entry in ClinVar:

ClinVar aggregate classification (germline): Uncertain significance (1 of 4 stars; one submission).

Conditions:
Episodic pain syndrome, familial, 2 (FEPS2). Identifiers: Orphanet 306577, MedGen C3809893, MONDO:0014246, OMIM 615551.

Submission:

Juno Genomics, Hangzhou Juno Genomics, Inc
Classification: Uncertain significance for Episodic pain syndrome, familial, 2. Review status: criteria provided, single submitter. Criteria: ACMG Guidelines, 2015. Collection method: clinical testing. Allele origin: germline.
Comment: Absent from controls (or at extremely low frequency if recessive) in Genome Aggregation Database.;Multiple lines of computational evidence support a deleterious effect on the gene or gene product.

NM_006514.4(SCN10A):c.5320C>T (p.Pro1774Ser)

Gene: SCN10A (sodium voltage-gated channel alpha subunit 10; minus strand). Cytogenetic location: 3p22.2.
Variant type: single nucleotide variant.
Coding change: c.5320C>T on transcript NM_006514.4 (MANE Select); coding-DNA position 5320, C replaced by T.
Protein change: p.Pro1774Ser; replaces proline 1774 with serine.
Molecular consequence: missense variant.
Genome position (GRCh38, 1-based): chr3:38,697,900, G>A on the plus strand (C>T on the coding strand, the complement: SCN10A is on the minus strand). VCF-style: chr3-38697900-G-A. GRCh37 (hg19) VCF-style: chr3-38739391-G-A.
Other names: c.5317C>T, p.Pro1773Ser (NM_001293306.2); c.5026C>T, p.Pro1676Ser (NM_001293307.2); short protein forms P1774S, P1676S, P1773S.
Identifiers: ClinVar variation 5006613 (VCV005006613.2).